The following is an entry in ClinVar:

ClinVar aggregate classification (germline): Benign. Review status: criteria provided, multiple submitters, no conflicts (2 of 4 stars). 7 submissions from 7 submitters: Benign (7). Last evaluated 2026-02-03.

Conditions:
Inborn genetic diseases. Identifiers: MedGen C0950123, MeSH D030342.
Nicolaides-Baraitser syndrome (NCBRS). Also called: SMARCA2-Related Nicolaides-Baraitser Syndrome; Intellectual disability-sparse hair-brachydactyly syndrome. Identifiers: Orphanet 3051, MedGen C1303073, MONDO:0011053, OMIM 601358.

Allele frequency attached by ClinVar (database versions not stated): ExAC 0.11926; gnomAD 0.12157 and 0.12093; 1000 Genomes Project 30x 0.11259; gnomAD exomes 0.11966; TOPMed 0.12044; 1000 Genomes Project 0.10743; ESP Exome Variant Server 0.11879.
gnomAD v4.1: 188,135 of 1,613,946 alleles (12%); highest among the groups gnomAD compares: Admixed American, 15%; 11,436 homozygotes.

Submissions (7):

Labcorp Genetics (formerly Invitae), Labcorp
Classification: Benign. Last evaluated: 2026-02-03. Review status: criteria provided, single submitter. Criteria: Invitae Variant Classification Sherloc (09022015). Collection method: clinical testing. Allele origin: germline.

Mayo Clinic Laboratories, Mayo Clinic
Classification: Benign. Last evaluated: 2021-11-29. Review status: criteria provided, single submitter. Criteria: ACMG Guidelines, 2015. Collection method: clinical testing. Allele origin: germline. Observed: 53 variant alleles.

GeneDx
Classification: Benign. Last evaluated: 2018-08-21. Review status: criteria provided, single submitter. Criteria: GeneDx Variant Classification Process June 2021. Collection method: clinical testing. Allele origin: germline. Affected: yes.

Illumina Laboratory Services, Illumina
Classification: Benign for Nicolaides-Baraitser syndrome. Last evaluated: 2018-01-12. Review status: criteria provided, single submitter. Criteria: ICSL Variant Classification Criteria 13 December 2019. Collection method: clinical testing. Allele origin: germline.
Comment: This variant was observed in the ICSL laboratory as part of a predisposition screen in an ostensibly healthy population. It had not been previously curated by ICSL or reported in the Human Gene Mutation Database (HGMD: prior to June 1st, 2018), and was therefore a candidate for classification through an automated scoring system. Utilizing variant allele frequency, disease prevalence and penetrance estimates, and inheritance mode, an automated score was calculated to assess if this variant is too frequent to cause the disease. Based on the score and internal cut-off values, a variant classified as benign is not then subjected to further curation. The score for this variant resulted in a classification of benign for this disease.

Ambry Genetics
Classification: Benign for Inborn genetic diseases. Last evaluated: 2016-05-02. Review status: criteria provided, single submitter. Criteria: Ambry Variant Classification Scheme 2023. Collection method: clinical testing. Allele origin: germline.

Genetic Services Laboratory, University of Chicago
Classification: Benign for AllHighlyPenetrant. Last evaluated: 2013-08-15. Review status: criteria provided, single submitter. Criteria: ACMG Guidelines, 2007. Collection method: clinical testing. Allele origin: germline. Inheritance: Autosomal dominant inheritance. Observed: 20 variant alleles.

Breakthrough Genomics
Classification: Benign. Review status: criteria provided, single submitter. Criteria: ACMG Guidelines, 2015. Collection method: not provided. Allele origin: germline. Inheritance: Autosomal dominant inheritance. Affected: yes.

NM_003070.5(SMARCA2):c.1827A>G (p.Pro609=)

Gene: SMARCA2 (SWI/SNF related BAF chromatin remodeling complex subunit ATPase 2; plus strand). Cytogenetic location: 9p24.3.
Variant type: single nucleotide variant.
Coding change: c.1827A>G on transcript NM_003070.5 (MANE Select); coding-DNA position 1827, A replaced by G.
Protein change: p.Pro609=; no amino-acid change (proline 609 retained).
Molecular consequence: synonymous variant.
Genome position (GRCh38, 1-based): chr9:2,073,292, A>G. VCF-style: chr9-2073292-A-G. GRCh37 (hg19) VCF-style: chr9-2073292-A-G.
Other names: p.Pro609=; c.1827A>G, p.Pro609= (NM_001289396.2, NM_001289397.2, NM_139045.4).
Identifiers: ClinVar variation 126345 (VCV000126345.25), dbSNP rs13288443, ClinGen allele CA151085.